The following is an entry in ClinVar:

NM_053025.4(MYLK):c.3616C>T (p.Pro1206Ser)

Gene: MYLK (myosin light chain kinase; minus strand). Cytogenetic location: 3q21.1.
Variant type: single nucleotide variant.
Coding change: c.3616C>T on transcript NM_053025.4 (MANE Select); coding-DNA position 3616, C replaced by T.
Protein change: p.Pro1206Ser; replaces proline 1206 with serine.
Molecular consequence: missense variant.
Genome position (GRCh38, 1-based): chr3:123,682,260, G>A on the plus strand (C>T on the coding strand, the complement: MYLK is on the minus strand). VCF-style: chr3-123682260-G-A. GRCh37 (hg19) VCF-style: chr3-123401107-G-A.
Other names: c.3088C>T, p.Pro1030Ser (NM_001321309.2); c.3409C>T, p.Pro1137Ser (NM_053026.4, NM_053028.4); c.3616C>T, p.Pro1206Ser (NM_053027.4); short protein forms P1030S, P1137S, P1206S.
Identifiers: ClinVar variation 2806667 (VCV002806667.3), dbSNP rs779501339, ClinGen allele CA069887.
Genomic context (GRCh38, chr3:123,682,260, plus strand): 5'-TGGTGAAGCTGGGCGAGTACTCACTCTCAGTTCCTAGCACGGGAGGAAGAGAGCTCTTGG[G>A]CCTCCGGGATTTCATCTCTGGGGCCTTGGTGTTCTCACTGGCTGGAGCATCTGGAATGAA-3'
Protein context (NP_444253.3, residues 1196-1216): TKAPEMKSRR[Pro1206Ser]KSSLPPVLGT

ClinVar aggregate classification (germline): Uncertain significance (1 of 4 stars; one submission).

Conditions:
Aortic aneurysm, familial thoracic 7 (AAT7). Also called: AORTIC DISSECTION, FAMILIAL, WITH OR WITHOUT AORTIC ANEURYSM. Identifiers: MedGen C3151077, MONDO:0013418, OMIM 613780.

Allele frequency attached by ClinVar (database versions not stated): TOPMed below 0.00001; gnomAD 0.00001; ExAC 0.00002.
gnomAD v4.1: 5 of 1,603,622 alleles (0.00031%); highest among the groups gnomAD compares: South Asian, 0.0011%; no homozygotes.

Submission:

Labcorp Genetics (formerly Invitae), Labcorp
Classification: Uncertain significance for Aortic aneurysm, familial thoracic 7. Last evaluated: 2025-09-13. Review status: criteria provided, single submitter. Criteria: Invitae Variant Classification Sherloc (09022015). Collection method: clinical testing. Allele origin: germline.
Comment: This sequence change replaces proline, which is neutral and non-polar, with serine, which is neutral and polar, at codon 1206 of the MYLK protein (p.Pro1206Ser). The frequency data for this variant in the population databases is considered unreliable, as metrics indicate poor data quality at this position in the gnomAD database. This variant has not been reported in the literature in individuals affected with MYLK-related conditions. ClinVar contains an entry for this variant (Variation ID: 2806667). Invitae Evidence Modeling of protein sequence and biophysical properties (such as structural, functional, and spatial information, amino acid conservation, physicochemical variation, residue mobility, and thermodynamic stability) indicates that this missense variant is not expected to disrupt MYLK protein function with a negative predictive value of 80%. In summary, the available evidence is currently insufficient to determine the role of this variant in disease. Therefore, it has been classified as a Variant of Uncertain Significance.